The following is an entry in ClinVar:

NM_015102.5(NPHP4):c.3739C>T (p.Arg1247Cys)

Gene: NPHP4 (nephrocystin 4; minus strand). Cytogenetic location: 1p36.31.
Variant type: single nucleotide variant.
Coding change: c.3739C>T on transcript NM_015102.5 (MANE Select); coding-DNA position 3739, C replaced by T.
Protein change: p.Arg1247Cys; replaces arginine 1247 with cysteine.
Molecular consequence: missense variant. On other transcripts: non-coding transcript variant (1).
Genome position (GRCh38, 1-based): chr1:5,865,179, G>A on the plus strand (C>T on the coding strand, the complement: NPHP4 is on the minus strand). VCF-style: chr1-5865179-G-A. GRCh37 (hg19) VCF-style: chr1-5925239-G-A.
Other names: c.3739C>T (NM_015102.4); c.2200C>T, p.Arg734Cys (NM_001291593.2); c.2203C>T, p.Arg735Cys (NM_001291594.2); short protein forms R1247C, R734C, R735C.
Identifiers: ClinVar variation 1026648 (VCV001026648.8), dbSNP rs377686745, ClinGen allele CA553485.

ClinVar aggregate classification (germline): Uncertain significance. Review status: criteria provided, multiple submitters, no conflicts (2 of 4 stars). 4 submissions from 4 submitters: Uncertain significance (4). Last evaluated 2026-05-29.

Conditions:
Nephronophthisis. Also called: Juvenile Nephronophthisis. Identifiers: Orphanet 655, MedGen C0687120, MONDO:0019005, HP:0000090.
NPHP4-related disorder. Also called: NPHP4-related disorders; NPHP4-related condition. Identifiers: MedGen CN239384.
Senior-Loken syndrome 4 (SLSN4). Identifiers: Orphanet 3156, MedGen C1846979, MONDO:0011756, OMIM 606996.
Nephronophthisis 4 (NPHP4). Also called: NEPHRONOPHTHISIS 4, JUVENILE. Identifiers: Orphanet 655, MedGen C1847013, MONDO:0011752, OMIM 606966.

Allele frequency attached by ClinVar (database versions not stated): gnomAD exomes 0.00002; TOPMed 0.00002; ExAC 0.00003; gnomAD 0.00004 and 0.00005; ESP Exome Variant Server 0.00008.
gnomAD v4.1: 31 of 1,612,828 alleles (0.0019%); highest among the groups gnomAD compares: African/African-American, 0.017%; no homozygotes.

Submissions (4):

PreventionGenetics, part of Exact Sciences
Classification: Uncertain significance for NPHP4-related condition. Last evaluated: 2026-05-29. Review status: criteria provided, single submitter. Criteria: ACMG Guidelines, 2015. Collection method: clinical testing. Allele origin: germline.
Comment: The NPHP4 c.3739C>T variant is predicted to result in the amino acid substitution p.Arg1247Cys. To our knowledge, this variant has not been reported in the literature. This variant is reported in 0.0083% of alleles in individuals of African descent in gnomAD. At this time, the clinical significance of this variant is uncertain due to the absence of conclusive functional and genetic evidence.

Blueprint Genetics
Classification: Uncertain significance. Last evaluated: 2023-10-17. Review status: criteria provided, single submitter. Criteria: ACMG Guidelines, 2015. Collection method: clinical testing. Allele origin: germline.

Labcorp Genetics (formerly Invitae), Labcorp
Classification: Uncertain significance for Nephronophthisis. Last evaluated: 2023-08-04. Review status: criteria provided, single submitter. Criteria: Invitae Variant Classification Sherloc (09022015). Collection method: clinical testing. Allele origin: germline.
Comment: This sequence change replaces arginine, which is basic and polar, with cysteine, which is neutral and slightly polar, at codon 1247 of the NPHP4 protein (p.Arg1247Cys). This variant is present in population databases (rs377686745, gnomAD 0.008%). This variant has not been reported in the literature in individuals affected with NPHP4-related conditions. ClinVar contains an entry for this variant (Variation ID: 1026648). Advanced modeling of protein sequence and biophysical properties (such as structural, functional, and spatial information, amino acid conservation, physicochemical variation, residue mobility, and thermodynamic stability) has been performed at Invitae for this missense variant, however the output from this modeling did not meet the statistical confidence thresholds required to predict the impact of this variant on NPHP4 protein function. In summary, the available evidence is currently insufficient to determine the role of this variant in disease. Therefore, it has been classified as a Variant of Uncertain Significance.

Fulgent Genetics
Classification: Uncertain significance for Nephronophthisis 4; Senior-Loken syndrome 4. Last evaluated: 2022-02-22. Review status: criteria provided, single submitter. Criteria: ACMG Guidelines, 2015. Collection method: clinical testing. Allele origin: unknown.